The following is an entry in ClinVar:

ClinVar aggregate classification (germline): Uncertain significance (1 of 4 stars; one submission).

gnomAD v4.1: 1 of 1,613,552 alleles (0.000062%); highest among the groups gnomAD compares: Admixed American, 0.0017%; no homozygotes.

Submission:

Labcorp Genetics (formerly Invitae), Labcorp
Classification: Uncertain significance. Last evaluated: 2024-04-16. Review status: criteria provided, single submitter. Criteria: Invitae Variant Classification Sherloc (09022015). Collection method: clinical testing. Allele origin: germline.
Comment: This sequence change replaces arginine, which is basic and polar, with lysine, which is basic and polar, at codon 500 of the HK1 protein (p.Arg500Lys). This variant is present in population databases (no rsID available, gnomAD 0.003%). This variant has not been reported in the literature in individuals affected with HK1-related conditions. Algorithms developed to predict the effect of missense changes on protein structure and function output the following: SIFT: "Not Available"; PolyPhen-2: "Benign"; Align-GVGD: "Not Available". The lysine amino acid residue is found in multiple mammalian species, which suggests that this missense change does not adversely affect protein function. In summary, the available evidence is currently insufficient to determine the role of this variant in disease. Therefore, it has been classified as a Variant of Uncertain Significance.

NM_000188.3(HK1):c.1499G>A (p.Arg500Lys)

Gene: HK1 (hexokinase 1; plus strand). Cytogenetic location: 10q22.1.
Variant type: single nucleotide variant.
Coding change: c.1499G>A on transcript NM_000188.3 (MANE Select); coding-DNA position 1499, G replaced by A.
Protein change: p.Arg500Lys; replaces arginine 500 with lysine.
Molecular consequence: missense variant.
Genome position (GRCh38, 1-based): chr10:69,382,720, G>A. VCF-style: chr10-69382720-G-A. GRCh37 (hg19) VCF-style: chr10-71142476-G-A.
Other names: c.1511G>A, p.Arg504Lys (NM_001322364.2, NM_001358263.1, NM_033497.3 and 1 more transcripts); c.1604G>A, p.Arg535Lys (NM_001322365.2); c.1415G>A, p.Arg472Lys (NM_001322366.1); c.1403G>A, p.Arg468Lys (NM_001322367.1); c.1496G>A, p.Arg499Lys (NM_033496.3); c.1463G>A, p.Arg488Lys (NM_033500.2); short protein forms R504K, R468K, R535K, R499K, R472K, R488K, R500K.
Identifiers: ClinVar variation 2975454 (VCV002975454.3), dbSNP rs752199128, ClinGen allele CA376910090.
Genomic context (GRCh38, chr10:69,382,720, plus strand): 5'-CCAAGGACATGCTGCTGGAGGTGAAGAAGAGGATGCGGGCCGAGATGGAGCTGGGGCTGA[G>A]GAAGCAGACGCACAACAATGCCGTGGTTAAGATGCTGCCCTCCTTCGTCCGGAGAACTCC-3'
Protein context (NP_000179.2, residues 490-510): RMRAEMELGL[Arg500Lys]KQTHNNAVVK